The following is an entry in ClinVar:

ClinVar aggregate classification (germline): Pathogenic (1 of 4 stars; one submission).

Conditions:
Familial adenomatous polyposis 1 (FAP1). Also called: POLYPOSIS, ADENOMATOUS INTESTINAL; FAMILIAL ADENOMATOUS POLYPOSIS 1, ATTENUATED. Identifiers: MedGen C2713442, MONDO:0021056, OMIM 175100. Disease mechanism: loss of function.

Submission:

Labcorp Genetics (formerly Invitae), Labcorp
Classification: Pathogenic for Familial adenomatous polyposis 1. Last evaluated: 2023-08-16. Review status: criteria provided, single submitter. Criteria: Invitae Variant Classification Sherloc (09022015). Collection method: clinical testing. Allele origin: germline.
Comment: For these reasons, this variant has been classified as Pathogenic. The region of the APC gene that includes promoter 1B has been determined to be clinically significant (PMID: 25243319, 21643010, 24946964, 23725351). Allele-specific expression analysis has shown that similar deletions involving only the promoter 1B reduced APC mRNA expression in patient-derived samples (PMID: 21643010, 23725351, 25243319). Therefore, deletions that encompass that region are likely to disrupt protein function and cause disease. This variant has been observed in individuals with clinical features of familial adenomatous polyposis (PMID: 20223039, 21643010, 23725351, 24946964, 25243319). This variant is a gross deletion of the genomic region encompassing the promoter 1B and promoter 1A of the APC gene. The 5' end of this event is unknown as it extends beyond the assayed region for this gene, and therefore may encompass additional genes. The 3' boundary is confined to intron 1 of the APC gene.

Literature cited by the submitters: PubMed 25243319; PubMed 21643010; PubMed 24946964; PubMed 23725351; PubMed 20223039.

NC_000005.9:g.(?_112043009)_(112073585_?)del

Gene: APC (APC regulator of Wnt signaling pathway; plus strand). Cytogenetic location: 5q22.2.
Variant type: Deletion.
Identifiers: ClinVar variation 1457697 (VCV001457697.7).